The following is an entry in ClinVar:

ClinVar aggregate classification (germline): Uncertain significance (1 of 4 stars; one submission).

Conditions:
Inborn genetic diseases. Identifiers: MedGen C0950123, MeSH D030342.

Submission:

Ambry Genetics
Classification: Uncertain significance for Inborn genetic diseases. Last evaluated: 2025-06-23. Review status: criteria provided, single submitter. Criteria: Ambry Variant Classification Scheme 2023. Collection method: clinical testing. Allele origin: germline.
Comment: The p.G1056S variant (also known as c.3166G>A), located in coding exon 31 of the RTEL1 gene, results from a G to A substitution at nucleotide position 3166. The glycine at codon 1056 is replaced by serine, an amino acid with similar properties. This amino acid position is conserved. In addition, this alteration is predicted to be tolerated by in silico analysis. Based on the available evidence, the clinical significance of this variant remains unclear.

NM_001283009.2(RTEL1):c.3166G>A (p.Gly1056Ser)

Genes: RTEL1 (regulator of telomere elongation helicase 1; plus strand), RTEL1-TNFRSF6B (RTEL1-TNFRSF6B readthrough (NMD candidate); plus strand). Cytogenetic location: 20q13.33.
Variant type: single nucleotide variant.
Coding change: c.3166G>A on transcript NM_001283009.2 (MANE Select); coding-DNA position 3166, G replaced by A.
Protein change: p.Gly1056Ser; replaces glycine 1056 with serine.
Molecular consequence: missense variant. On other transcripts: non-coding transcript variant (1).
Genome position (GRCh38, 1-based): chr20:63,694,797, G>A. VCF-style: chr20-63694797-G-A. GRCh37 (hg19) VCF-style: chr20-62326150-G-A.
Other names: c.2497G>A, p.Gly833Ser (NM_001283010.1); c.3166G>A, p.Gly1056Ser (NM_016434.4); c.3238G>A, p.Gly1080Ser (NM_032957.5); short protein forms G1056S, G833S, G1080S.
Identifiers: ClinVar variation 4157567 (VCV004157567.1).